The following is an entry in ClinVar:

NM_018191.4(RCBTB1):c.47_48del (p.Gln16fs)

Gene: RCBTB1 (RCC1 and BTB domain containing protein 1; minus strand). Cytogenetic location: 13q14.2.
Variant type: Deletion.
Coding change: c.47_48del on transcript NM_018191.4 (MANE Select); coding-DNA positions 47 to 48, 2 bases deleted (AA; older notation c.47_48delAA).
Protein change: p.Gln16fs; shifts the reading frame from glutamine 16.
Molecular consequence: frameshift variant. On other transcripts: 5 prime UTR variant (1), non-coding transcript variant (2).
Genome position (GRCh38, 1-based): chr13:49,567,232-49,567,233, TT deleted on the plus strand (AA on the coding strand, the reverse complement: RCBTB1 is on the minus strand). VCF-style (leftmost placement, unchanged base first): chr13-49567231-CTT-C. GRCh37 (hg19) VCF-style: chr13-50141367-CTT-C.
Other names: c.47_48del, p.Gln16fs (NM_001352500.2, NM_001352501.2, NM_001352502.2 and 3 more transcripts); c.-563_-562del (NM_001352506.2); short protein forms Q16fs.
Identifiers: ClinVar variation 1453754 (VCV001453754.6), dbSNP rs747803510, ClinGen allele CA6983034.

ClinVar aggregate classification (germline): Pathogenic (1 of 4 stars; one submission).

Allele frequency attached by ClinVar (database versions not stated): gnomAD exomes below 0.00001; TOPMed below 0.00001; ExAC 0.00001; gnomAD 0.00001.

Submission:

Labcorp Genetics (formerly Invitae), Labcorp
Classification: Pathogenic. Last evaluated: 2021-04-02. Review status: criteria provided, single submitter. Criteria: Invitae Variant Classification Sherloc (09022015). Collection method: clinical testing. Allele origin: germline.
Comment: This sequence change creates a premature translational stop signal (p.Gln16Argfs*17) in the RCBTB1 gene. It is expected to result in an absent or disrupted protein product. Loss-of-function variants in RCBTB1 are known to be pathogenic (PMID: 31494449). For these reasons, this variant has been classified as Pathogenic. This variant has not been reported in the literature in individuals with RCBTB1-related conditions. The frequency data for this variant in the population databases is considered unreliable, as metrics indicate poor data quality at this position in the ExAC database.

Literature cited by the submitters: PubMed 31494449.